The following is an entry in ClinVar:

NM_014314.4(RIGI):c.1292G>T (p.Cys431Phe)

Gene: RIGI (RNA sensor RIG-I; minus strand). Cytogenetic location: 9p21.1.
Variant type: single nucleotide variant.
Coding change: c.1292G>T on transcript NM_014314.4 (MANE Select); coding-DNA position 1292, G replaced by T.
Protein change: p.Cys431Phe; replaces cysteine 431 with phenylalanine.
Molecular consequence: missense variant.
Genome position (GRCh38, 1-based): chr9:32,487,554, C>A on the plus strand (G>T on the coding strand, the complement: RIGI is on the minus strand). VCF-style: chr9-32487554-C-A. GRCh37 (hg19) VCF-style: chr9-32487552-C-A.
Other names: c.1286G>T, p.Cys429Phe (NM_001385907.1); c.1292G>T, p.Cys431Phe (NM_001385909.1); c.851G>T, p.Cys284Phe (NM_001385910.1); c.683G>T, p.Cys228Phe (NM_001385912.1); c.1277G>T, p.Cys426Phe (NM_001385913.1); c.848G>T, p.Cys283Phe (NM_001385914.1); c.1292G>T (NM_014314.3); short protein forms C228F, C283F, C284F, C426F, C429F, C431F.
Identifiers: ClinVar variation 2427699 (VCV002427699.6), dbSNP rs1249072824, ClinGen allele CA373155823.

ClinVar aggregate classification (germline): Uncertain significance. Review status: criteria provided, multiple submitters, no conflicts (2 of 4 stars). 2 submissions from 2 submitters: Uncertain significance (2). Last evaluated 2026-01-12.

Conditions:
Inborn genetic diseases. Identifiers: MedGen C0950123, MeSH D030342.

Allele frequency attached by ClinVar (database versions not stated): gnomAD 0.00001; TOPMed 0.00002.
gnomAD v4.1: 5 of 1,614,064 alleles (0.00031%); highest among the groups gnomAD compares: Admixed American, 0.0083%; no homozygotes.

Submissions (2):

Labcorp Genetics (formerly Invitae), Labcorp
Classification: Uncertain significance. Last evaluated: 2026-01-12. Review status: criteria provided, single submitter. Criteria: Invitae Variant Classification Sherloc (09022015). Collection method: clinical testing. Allele origin: germline.
Comment: This sequence change replaces cysteine, which is neutral and slightly polar, with phenylalanine, which is neutral and non-polar, at codon 431 of the DDX58 protein (p.Cys431Phe). This variant is present in population databases (no rsID available, gnomAD 0.01%). This variant has not been reported in the literature in individuals affected with DDX58-related conditions. ClinVar contains an entry for this variant (Variation ID: 2427699). Invitae Evidence Modeling of protein sequence and biophysical properties (such as structural, functional, and spatial information, amino acid conservation, physicochemical variation, residue mobility, and thermodynamic stability) indicates that this missense variant is expected to disrupt DDX58 protein function with a positive predictive value of 80%. In summary, the available evidence is currently insufficient to determine the role of this variant in disease. Therefore, it has been classified as a Variant of Uncertain Significance.

Ambry Genetics
Classification: Uncertain significance for Inborn genetic diseases. Last evaluated: 2025-11-13. Review status: criteria provided, single submitter. Criteria: Ambry Variant Classification Scheme 2023. Collection method: clinical testing. Allele origin: germline.